The following is an entry in ClinVar:

NM_006118.4(HAX1):c.562G>A (p.Asp188Asn)

Gene: HAX1 (HCLS1 associated protein X-1; plus strand). Cytogenetic location: 1q21.3.
Variant type: single nucleotide variant.
Coding change: c.562G>A on transcript NM_006118.4 (MANE Select); coding-DNA position 562, G replaced by A.
Protein change: p.Asp188Asn; replaces aspartic acid 188 with asparagine.
Molecular consequence: missense variant.
Genome position (GRCh38, 1-based): chr1:154,275,159, G>A. VCF-style: chr1-154275159-G-A. GRCh37 (hg19) VCF-style: chr1-154247635-G-A.
Other names: c.418G>A, p.Asp140Asn (NM_001018837.2); short protein forms D140N, D188N.
Identifiers: ClinVar variation 4033842 (VCV004033842.1).

ClinVar aggregate classification (germline): Uncertain significance (1 of 4 stars; one submission).

Conditions:
Inborn genetic diseases. Identifiers: MedGen C0950123, MeSH D030342.

gnomAD v4.1: 1 of 1,605,226 alleles (0.000062%); highest among the groups gnomAD compares: South Asian, 0.0011%; no homozygotes.

Submission:

Ambry Genetics
Classification: Uncertain significance for Inborn genetic diseases. Last evaluated: 2025-04-06. Review status: criteria provided, single submitter. Criteria: Ambry Variant Classification Scheme 2023. Collection method: clinical testing. Allele origin: germline.
Comment: The p.D188N variant (also known as c.562G>A), located in coding exon 5 of the HAX1 gene, results from a G to A substitution at nucleotide position 562. The aspartic acid at codon 188 is replaced by asparagine, an amino acid with highly similar properties. This amino acid position is conserved. In addition, this alteration is predicted to be tolerated by in silico analysis. Based on the available evidence, the clinical significance of this variant remains unclear.